The following is an entry in ClinVar:

ClinVar aggregate classification (germline): Uncertain significance. Review status: criteria provided, multiple submitters, no conflicts (2 of 4 stars). 2 submissions from 2 submitters: Uncertain significance (2). Last evaluated 2024-10-28.

Submissions (2):

Women's Health and Genetics/Laboratory Corporation of America, LabCorp
Classification: Uncertain significance. Last evaluated: 2024-10-28. Review status: criteria provided, single submitter. Criteria: LabCorp Variant Classification Summary - May 2015. Collection method: clinical testing. Allele origin: germline.
Comment: Variant summary: HIVEP2 c.4684A>T (p.Ser1562Cys) results in a non-conservative amino acid change in the encoded protein sequence. Four of five in-silico tools predict a damaging effect of the variant on protein function. The variant was absent in 249528 control chromosomes. The available data on variant occurrences in the general population are insufficient to allow any conclusion about variant significance. To our knowledge, no occurrence of c.4684A>T in individuals affected with Intellectual Disability, Autosomal Dominant 43 and no experimental evidence demonstrating its impact on protein function have been reported. ClinVar contains an entry for this variant (Variation ID: 1715525). Based on the evidence outlined above, the variant was classified as uncertain significance.

Labcorp Genetics (formerly Invitae), Labcorp
Classification: Uncertain significance. Last evaluated: 2023-11-01. Review status: criteria provided, single submitter. Criteria: Invitae Variant Classification Sherloc (09022015). Collection method: clinical testing. Allele origin: germline.
Comment: This sequence change replaces serine, which is neutral and polar, with cysteine, which is neutral and slightly polar, at codon 1562 of the HIVEP2 protein (p.Ser1562Cys). This variant is not present in population databases (gnomAD no frequency). This variant has not been reported in the literature in individuals affected with HIVEP2-related conditions. ClinVar contains an entry for this variant (Variation ID: 1715525). Advanced modeling of protein sequence and biophysical properties (such as structural, functional, and spatial information, amino acid conservation, physicochemical variation, residue mobility, and thermodynamic stability) performed at Invitae indicates that this missense variant is not expected to disrupt HIVEP2 protein function with a negative predictive value of 80%. In summary, the available evidence is currently insufficient to determine the role of this variant in disease. Therefore, it has been classified as a Variant of Uncertain Significance.

NM_006734.4(HIVEP2):c.4684A>T (p.Ser1562Cys)

Gene: HIVEP2 (HIVEP zinc finger 2; minus strand). Cytogenetic location: 6q24.2.
Variant type: single nucleotide variant.
Coding change: c.4684A>T on transcript NM_006734.4 (MANE Select); coding-DNA position 4684, A replaced by T.
Protein change: p.Ser1562Cys; replaces serine 1562 with cysteine.
Molecular consequence: missense variant.
Genome position (GRCh38, 1-based): chr6:142,770,055, T>A on the plus strand (A>T on the coding strand, the complement: HIVEP2 is on the minus strand). VCF-style: chr6-142770055-T-A. GRCh37 (hg19) VCF-style: chr6-143091192-T-A.
Other names: short protein forms S1562C.
Identifiers: ClinVar variation 1715525 (VCV001715525.6), dbSNP rs2482820355, ClinGen allele CA365898661.